The following is an entry in ClinVar:

ClinVar aggregate classification (germline): Uncertain significance (1 of 4 stars; one submission).

Conditions:
Hereditary cancer-predisposing syndrome. Also called: Tumor predisposition; Hereditary Cancer Syndrome; Hereditary neoplastic syndrome; Neoplastic Syndromes, Hereditary. Identifiers: Orphanet 140162, MedGen C0027672, MeSH D009386, MONDO:0015356.

Submission:

Ambry Genetics
Classification: Uncertain significance for Hereditary cancer-predisposing syndrome. Last evaluated: 2024-05-23. Review status: criteria provided, single submitter. Criteria: Ambry Variant Classification Scheme 2023. Collection method: clinical testing. Allele origin: germline.
Comment: The p.S184R variant (also known as c.552C>A), located in coding exon 4 of the FH gene, results from a C to A substitution at nucleotide position 552. The serine at codon 184 is replaced by arginine, an amino acid with dissimilar properties. This amino acid position is conserved. In addition, this alteration is predicted to be deleterious by in silico analysis. Based on the available evidence, the clinical significance of this variant remains unclear.

NM_000143.4(FH):c.552C>A (p.Ser184Arg)

Gene: FH (fumarate hydratase; minus strand). Cytogenetic location: 1q43.
Variant type: single nucleotide variant.
Coding change: c.552C>A on transcript NM_000143.4 (MANE Select); coding-DNA position 552, C replaced by A.
Protein change: p.Ser184Arg; replaces serine 184 with arginine.
Molecular consequence: missense variant.
Genome position (GRCh38, 1-based): chr1:241,511,970, G>T on the plus strand (C>A on the coding strand, the complement: FH is on the minus strand). VCF-style: chr1-241511970-G-T. GRCh37 (hg19) VCF-style: chr1-241675270-G-T.
Other names: short protein forms S184R.
Identifiers: ClinVar variation 3278750 (VCV003278750.1).
Genomic context (GRCh38, chr1:241,511,970, plus strand): 5'-AATCTCAGGTATGCTTTTCAATTTATAACCAAAAAACAGCAAAGCTCACATACTGACCTG[G>T]CTTTTATTAACATGATCGTTGGGATGCACAGGTATCTTGCTGCCAAGTTCACCTCCTAAC-3'
Protein context (NP_000134.2, residues 174-194): PVHPNDHVNK[Ser184Arg]QSSNDTFPTA